The following is an entry in ClinVar:

NM_031935.3(HMCN1):c.7810C>G (p.Pro2604Ala)

Gene: HMCN1 (hemicentin 1; plus strand). Cytogenetic location: 1q31.1.
Variant type: single nucleotide variant.
Coding change: c.7810C>G on transcript NM_031935.3 (MANE Select); coding-DNA position 7810, C replaced by G.
Protein change: p.Pro2604Ala; replaces proline 2604 with alanine.
Molecular consequence: missense variant.
Genome position (GRCh38, 1-based): chr1:186,067,938, C>G. VCF-style: chr1-186067938-C-G. GRCh37 (hg19) VCF-style: chr1-186037070-C-G.
Other names: short protein forms P2604A.
Identifiers: ClinVar variation 2813212 (VCV002813212.3), dbSNP rs761831669, ClinGen allele CA1292941.
Genomic context (GRCh38, chr1:186,067,938, plus strand): 5'-GATGTCACTGTCATCCTTAACAGCCCTACATCTTTGGTCTGTGAAGCTTATTCATATCCT[C>G]CAGCTACCATCACCTGGTTTAAGGATGGCACTCCTTTAGAATCTAACCGAAATATTCGTA-3'
Protein context (NP_114141.2, residues 2594-2614): SLVCEAYSYP[Pro2604Ala]ATITWFKDGT

ClinVar aggregate classification (germline): Uncertain significance (1 of 4 stars; one submission).

Allele frequency attached by ClinVar (database versions not stated): gnomAD exomes 0.00001; ExAC 0.00002.
gnomAD v4.1: 13 of 1,613,442 alleles (0.00081%); highest among the groups gnomAD compares: South Asian, 0.013%; 1 homozygote.

Submission:

Labcorp Genetics (formerly Invitae), Labcorp
Classification: Uncertain significance. Last evaluated: 2023-03-13. Review status: criteria provided, single submitter. Criteria: Invitae Variant Classification Sherloc (09022015). Collection method: clinical testing. Allele origin: germline.
Comment: This sequence change replaces proline, which is neutral and non-polar, with alanine, which is neutral and non-polar, at codon 2604 of the HMCN1 protein (p.Pro2604Ala). This variant is present in population databases (rs761831669, gnomAD 0.02%). This variant has not been reported in the literature in individuals affected with HMCN1-related conditions. An algorithm developed to predict the effect of missense changes on protein structure and function (PolyPhen-2) suggests that this variant is likely to be disruptive. In summary, the available evidence is currently insufficient to determine the role of this variant in disease. Therefore, it has been classified as a Variant of Uncertain Significance.